The following is an entry in ClinVar:

ClinVar aggregate classification (germline): Uncertain significance (1 of 4 stars; one submission).

Conditions:
Familial cancer of breast. Also called: hereditary breast carcinoma; Hereditary breast cancer; BREAST CANCER, FAMILIAL. Identifiers: Orphanet 227535, MedGen C0346153, MONDO:0016419, OMIM 114480. Disease mechanism: loss of function.

Submission:

Labcorp Genetics (formerly Invitae), Labcorp
Classification: Uncertain significance for Familial cancer of breast. Last evaluated: 2022-06-13. Review status: criteria provided, single submitter. Criteria: Invitae Variant Classification Sherloc (09022015). Collection method: clinical testing. Allele origin: germline.
Comment: In summary, the available evidence is currently insufficient to determine the role of this variant in disease. Therefore, it has been classified as a Variant of Uncertain Significance. Algorithms developed to predict the effect of missense changes on protein structure and function are either unavailable or do not agree on the potential impact of this missense change (SIFT: "Tolerated"; PolyPhen-2: "Possibly Damaging"; Align-GVGD: "Class C0"). This variant has not been reported in the literature in individuals affected with PALB2-related conditions. This variant is not present in population databases (gnomAD no frequency). This sequence change replaces leucine, which is neutral and non-polar, with proline, which is neutral and non-polar, at codon 278 of the PALB2 protein (p.Leu278Pro).

NM_024675.4(PALB2):c.833T>C (p.Leu278Pro)

Gene: PALB2 (partner and localizer of BRCA2; minus strand). Cytogenetic location: 16p12.2.
Variant type: single nucleotide variant.
Coding change: c.833T>C on transcript NM_024675.4 (MANE Select); coding-DNA position 833, T replaced by C.
Protein change: p.Leu278Pro; replaces leucine 278 with proline.
Molecular consequence: missense variant.
Genome position (GRCh38, 1-based): chr16:23,635,713, A>G on the plus strand (T>C on the coding strand, the complement: PALB2 is on the minus strand). VCF-style: chr16-23635713-A-G. GRCh37 (hg19) VCF-style: chr16-23647034-A-G.
Other names: c.773T>C, p.Leu258Pro (NM_001407296.1); c.833T>C, p.Leu278Pro (NM_001407297.1, NM_001407298.1, NM_001407299.1 and 3 more transcripts); c.-53T>C (NM_001407304.1, NM_001407305.1, NM_001407306.1 and 5 more transcripts); short protein forms L258P, L278P.
Identifiers: ClinVar variation 1919119 (VCV001919119.5), dbSNP rs200843485, ClinGen allele CA395135934.